The following is an entry in ClinVar:

NM_002547.3(OPHN1):c.583A>G (p.Asn195Asp)

Gene: OPHN1 (oligophrenin 1; minus strand). Cytogenetic location: Xq12.
Variant type: single nucleotide variant.
Coding change: c.583A>G on transcript NM_002547.3 (MANE Select); coding-DNA position 583, A replaced by G.
Protein change: p.Asn195Asp; replaces asparagine 195 with aspartic acid.
Molecular consequence: missense variant.
Genome position (GRCh38, 1-based): chrX:68,213,876, T>C on the plus strand (A>G on the coding strand, the complement: OPHN1 is on the minus strand). VCF-style: chrX-68213876-T-C. GRCh37 (hg19) VCF-style: chrX-67433718-T-C.
Other names: short protein forms N195D.
Identifiers: ClinVar variation 2574451 (VCV002574451.1), dbSNP rs2519807921, ClinGen allele CA413434531.

ClinVar aggregate classification (germline): Uncertain significance (1 of 4 stars; one submission).

Submission:

GeneDx
Classification: Uncertain significance. Last evaluated: 2023-01-26. Review status: criteria provided, single submitter. Criteria: GeneDx Variant Classification Process June 2021. Collection method: clinical testing. Allele origin: germline. Affected: yes.
Comment: Not observed at significant frequency in large population cohorts (gnomAD); In silico analysis supports that this missense variant does not alter protein structure/function; Has not been previously published as pathogenic or benign to our knowledge